The following is an entry in ClinVar:

NM_001012614.2(CTBP1):c.991C>T (p.Arg331Trp)

Genes: CTBP1 (C-terminal binding protein 1; minus strand), CTBP1-AS (CTBP1 antisense RNA; plus strand). Cytogenetic location: 4p16.3.
Variant type: single nucleotide variant.
Coding change: c.991C>T on transcript NM_001012614.2 (MANE Select); coding-DNA position 991, C replaced by T.
Protein change: p.Arg331Trp; replaces arginine 331 with tryptophan.
Molecular consequence: missense variant.
Genome position (GRCh38, 1-based): chr4:1,213,028, G>A on the plus strand (C>T on the coding strand, the complement: CTBP1 is on the minus strand). VCF-style: chr4-1213028-G-A. GRCh37 (hg19) VCF-style: chr4-1206816-G-A.
Other names: NM_001012614.2(CTBP1):c.991C>T; p.Arg331Trp; c.1024C>T, p.Arg342Trp (NM_001328.3); c.991C>T (NM_001377192.1); short protein forms R331W, R342W.
Identifiers: ClinVar variation 225758 (VCV000225758.44), dbSNP rs869320802, ClinGen allele CA10576090.
Genomic context (GRCh38, chr4:1,213,028, plus strand): 5'-AGTGGGTGGCGGCTGTCAGATGGTCCTTGTTGACACAGTTCTTCAGGCTGTCTGGGATCC[G>A]GCCTGGGAGATGCAGGAGGAAGGAACAGCTGTGGCTCTGAGGGGGCCCCAGGAGCGTGGC-3'
Protein context (NP_001012632.1, residues 321-341): AREIRRAITG[Arg331Trp]IPDSLKNCVN

ClinVar aggregate classification (germline): Pathogenic. Review status: criteria provided, multiple submitters, no conflicts (2 of 4 stars). 14 submissions from 14 submitters: Pathogenic (13). 1 of the submissions does not count toward it. Last evaluated 2026-03-05.

Conditions:
Hypotonia, ataxia, developmental delay, and tooth enamel defect syndrome. Identifiers: MedGen C4693578, MONDO:0060666, OMIM 617915.
Inborn genetic diseases. Identifiers: MedGen C0950123, MeSH D030342.
CTBP1-related disorder. Also called: CTBP1-related condition.

Submissions 1 to 8 of 14:

Broad Center for Mendelian Genomics, Broad Institute of MIT and Harvard
Classification: Pathogenic for Hypotonia, ataxia, developmental delay, and tooth enamel defect syndrome. Last evaluated: 2026-03-05. Review status: criteria provided, single submitter. Criteria: ACMG Guidelines, 2015. Collection method: research. Allele origin: germline. Inheritance: Autosomal dominant inheritance. Study: GREGoR Consortium.
Comment: The p.Arg331Trp variant in CTBPl (previously reported in the literature as p.Arg342Trp) has been reported as a de novo occurrence in at least 10 individuals with features of HADDTS (Beck 2016 PMID: 27094857, Beck 2019 PMID: 31041561, Kadhim 2023 PMID:37037050). It was absent from large population studies but has been reported in ClinVar (Variation ID 225758). Computational prediction tools and conservation analyses suggest that this variant may impact the protein. In vitro functional studies also support that this variant impacts protein function (Beck 2019 PMID: 31041561). In summary, this variant meets criteria to be classified as pathogenic for autosomal dominant HADDTS. ACMG/AMP Criteria applied: PS2_ Very Strong, PP3, PM2_Supporting, PS3_Supporting.

3billion
Classification: Pathogenic for Hypotonia, ataxia, developmental delay, and tooth enamel defect syndrome. Last evaluated: 2026-01-26. Review status: criteria provided, single submitter. Criteria: ACMG Guidelines, 2015. Collection method: clinical testing. Allele origin: germline. Affected: yes.
Comment: The variant is not observed in the gnomAD v4.1.0 dataset. Predicted Consequence/Location: Missense variant. Missense changes are a common disease-causing mechanism. In silico tool prediction suggests damaging effect of the variant on gene or gene product [REVEL: 0.74 (>=0.6, sensitivity 0.68 and specificity 0.92)]. The same nucleotide change resulting in the same amino acid change has been previously reported as pathogenic/likely pathogenic with strong evidence (ClinVar ID: VCV000225758 /PMID: 27094857 /3billion dataset). The variant has been previously reported as de novo in a similarly affected individual (PMID: 27094857). The variant has been observed in multiple (>3) similarly affected unrelated individuals (PMID: 27094857). Therefore, this variant is classified as Pathogenic according to the recommendation of ACMG/AMP guideline.

Victorian Clinical Genetics Services, Murdoch Childrens Research Institute
Classification: Pathogenic for Hypotonia, ataxia, developmental delay, and tooth enamel defect syndrome. Last evaluated: 2025-03-03. Review status: criteria provided, single submitter. Criteria: ACMG Guidelines, 2015. Collection method: clinical testing. Allele origin: germline. Affected: yes.
Comment: This variant is classified as Pathogenic. Evidence in support of pathogenic classification: Variant is absent from gnomAD (v2, v3 and v4); This variant has strong previous evidence of pathogenicity in unrelated individuals. This variant is well reported and classified as pathogenic by multiple clinical laboratories (ClinVar); Missense variant predicted to be damaging by in silico tool(s) or highly conserved with a major amino acid change. Additional information: Variant is predicted to result in a missense amino acid change from arginine to tryptophan; This variant is heterozygous; This gene is associated with autosomal dominant disease; Alternative amino acid change(s) at the same position are present in gnomAD (Highest allele count: v4: 20 heterozygote(s), 0 homozygote(s)); Variant is located in the annotated 2-Hacid_dh domain (DECIPHER); The mechanism of disease for this gene is not clearly established. A dominant-negative mechanism of disease has been proposed, but evidence supporting this is currently insufficient (PMID: 31041561); Variants in this gene are known to have variable expressivity. Individuals with the same recurrent variant, p.(Arg331Trp), present with variable severity of symptoms (PMID: 31041561).

PreventionGenetics, part of Exact Sciences
Classification: Pathogenic for CTBP1-related condition. Last evaluated: 2025-01-31. Review status: criteria provided, single submitter. Criteria: ACMG Guidelines, 2015. Collection method: clinical testing. Allele origin: germline.
Comment: The CTBP1 c.1024C>T variant is predicted to result in the amino acid substitution p.Arg342Trp. This variant has been repeatedly reported to occur de novo in individuals with features of hypotonia, ataxia, developmental delay, and tooth enamel defect syndrome (Reported as R331W in Beck et al. 2016. PubMed ID: 27094857; Table 2 as R331W in Baldridge et al. 2017. PubMed ID: 28252636; Table S3 in Chemin et al. 2018. PubMed ID: 29878067; Beck et al. 2019. PubMed ID: 31041561; Table 2 in Sakamoto et al. 2022. PubMed ID: 36305856). The p.Arg342Trp residue is located in a high-affinity binding cleft for CtBP-interacting partners. Functional analysis indicates this variant disrupts many of these protein interactions and impacts downstream gene expression of CtBP1-target genes (Beck et al. 2019. PubMed ID: 31041561). This variant has not been reported in a large population database (gnomAD) and is reported as pathogenic in ClinVar by many outside laboratories. This variant is interpreted as pathogenic.

CeGaT Center for Human Genetics Tuebingen
Classification: Pathogenic. Last evaluated: 2024-06-01. Review status: criteria provided, single submitter. Criteria: CeGaT Center For Human Genetics Tuebingen Variant Classification Criteria Version 2. Collection method: clinical testing. Allele origin: germline. Affected: yes. Observed: 1 variant allele.
Comment: CTBP1: PS2:Very Strong, PM2, PS4:Moderate

Institute of Human Genetics, FAU Erlangen, Friedrich-Alexander-Universität Erlangen-Nürnberg
Classification: Pathogenic for Hypotonia, ataxia, developmental delay, and tooth enamel defect syndrome. Last evaluated: 2024-04-23. Review status: criteria provided, single submitter. Criteria: Hauer et al. (Genet Med. 2018). Collection method: clinical testing. Allele origin: germline. Inheritance: Autosomal dominant inheritance. Affected: yes. Observed: 1 variant allele.
Comment: This variant has been identified by standard clinical testing. Selected ACMG criteria: Pathogenic (II):PP3;PP2;PM2;PS3;PS2

GeneDx
Classification: Pathogenic. Last evaluated: 2023-03-23. Review status: criteria provided, single submitter. Criteria: GeneDx Variant Classification Process June 2021. Collection method: clinical testing. Allele origin: germline. Affected: yes.
Comment: Not observed at significant frequency in large population cohorts (gnomAD); In silico analysis supports that this missense variant has a deleterious effect on protein structure/function; This variant is associated with the following publications: (PMID: 27094857, 28135719, 28191890, 29878067, 31041561, 32167997, 31618753, 33192249, 28252636, 31785789, 36341169, 34732400)

New York Genome Center
Classification: Pathogenic for Hypotonia, ataxia, developmental delay, and tooth enamel defect syndrome. Last evaluated: 2021-08-06. Review status: criteria provided, single submitter. Criteria: NYGC Assertion Criteria 2020. Collection method: clinical testing. Allele origin: de novo. Affected: yes. Observed: 1 heterozygote. Study: CSER-NYCKidSeq.
Comment: The de novo c.991C>T (p.Arg331Trp) missense variant identified in the CTBP1 gene is also known as p.Arg342Trp in the literature. It is a recurrent pathogenic variant that has been reported in at least 12 patients affected with similar phenotypes of global developmental delay, intellectual disability, failure to thrive,hypotonia, ataxia, and tooth enamel defects [PMID: 27094857, 28955726, 31041561]. A subset of patients were noted to have regression of motor and/or languageskills [PMID: 31041561]. At least one of these patients had progressive neurodegenerative disease with evidence of defective mitochondrial dysfunction [PMID:28955726]. The variant is absent from gnomAD(v3) database suggesting it is not a common benign variant in the populations represented in that database. It is reported in the ClinVar database as Pathogenic [Variation ID: 225758]. The p.Arg331Trp variant affects an evolutionarily conserved residue and is predicted deleterious by multiple in silico prediction tools (CADD score = 29, REVEL score = 0.743). The variant is located within the C-terminal region of the PLDLS binding cleft which is thought to interact with chromatin-modifying enzymes and mediates chromatin-dependent gene repression pathways. Functional studies suggest that the p.Arg331Trp variant alters the normal function(s) of the CTBP1 protein [PMID:31041561]. Based on the available evidence, the de novo heterozygous c.991C>T(p.Arg331Trp) missense variant identified in the CTBP1 gene is reported as Pathogenic.